The following is an entry in ClinVar:

ClinVar aggregate classification (germline): Pathogenic (1 of 4 stars; one submission).

Conditions:
Glycogen storage disease, type II (IOPD). Also called: Pompe Disease; CARDIOMEGALIA GLYCOGENICA DIFFUSA; GLYCOGENOSIS, GENERALIZED, CARDIAC FORM; GSD II; POMPE DISEASE, INFANTILE-ONSET; GLYCOGEN STORAGE DISEASE II, INFANTILE-ONSET. Identifiers: Orphanet 365, MedGen C0017921, MONDO:0009290, OMIM 232300.

Submission:

Genomenon, Inc
Classification: Pathogenic for Glycogen storage disease, type II. Last evaluated: 2026-07-01. Review status: criteria provided, single submitter. Criteria: Genomenon Sequence Variant Interpretation Standards - Updated. Collection method: curation. Allele origin: germline. Affected: yes.
Comment: GAA c.2041-2A>G is a canonical splice variant affecting the acceptor splice site of intron 14. It is predicted to affect mRNA splicing, leading to a deleterious effect on the GAA protein. This variant has been observed in at least one proband with a GAA-related disorder (PMID:31342611). It is absent or not present at a significant frequency in gnomAD. In conclusion, we classify GAA c.2041-2A>G as a pathogenic variant.

Literature cited by the submitters: PubMed 31342611.

NM_000152.5(GAA):c.2041-2A>G

Gene: GAA (alpha glucosidase; plus strand). Cytogenetic location: 17q25.3.
Variant type: single nucleotide variant.
Coding change: c.2041-2A>G on transcript NM_000152.5 (MANE Select); the canonical splice acceptor site of the intron before coding-DNA position 2041, A replaced by G.
Molecular consequence: splice acceptor variant.
Genome position (GRCh38, 1-based): chr17:80,113,216, A>G. VCF-style: chr17-80113216-A-G. GRCh37 (hg19) VCF-style: chr17-78087015-A-G.
Other names: c.2041-2A>G (NM_001406741.1, NM_001406742.1, NM_001079803.3 and 1 more transcripts).
Identifiers: ClinVar variation 4876354 (VCV004876354.1).